The following continues an entry in ClinVar:

NM_007194.4(CHEK2):c.556A>C (p.Asn186His)

Gene: CHEK2. ClinVar aggregate classification (germline): Conflicting classifications of pathogenicity. Uncertain significance (14); Likely benign (3).

Submissions 9 to 26 of 26:

ARUP Laboratories, Molecular Genetics and Genomics, ARUP Laboratories
Classification: Uncertain significance. Last evaluated: 2024-07-09. Review status: criteria provided, single submitter. Criteria: ARUP Molecular Germline Variant Investigation Process 2024. Collection method: clinical testing. Allele origin: germline.
Comment: The CHEK2 c.556A>C; p.Asn186His variant (rs146198085, ClinVar Variation ID: 141977), also known as p.Asn229His for NM_001005735, is reported in the literature in individuals affected with breast cancer (Aloraifi 2015, Decker 2017, Girard 2019, Hilbers 2020, Tung 2015). Additionally, this variant was found in an individual with a personal and family history of breast cancer that carried an ATM variant (Bhai 2021). This variant is found in the general population with an overall allele frequency of 0.007% (19/282,804 alleles) in the Genome Aggregation Database (v2.1.1). Computational analyses predict that this variant is deleterious (REVEL: 0.713). Functional analyses in a yeast-based assay following DNA damage showed similar growth compared to wildtype (Delimitsou 2019). Additionally, in a mouse embryonic stem cell assay, this variant demonstrated similar expression and activity compared to wildtype (Boonen 2022). Due to conflicting information, the clinical significance of this variant is uncertain at this time. References: Aloraifi F et al. Detection of novel germline mutations for breast cancer in non-BRCA1/2 families. FEBS J. 2015 Sep;282(17):3424-37. PMID: 26094658. Bhai P et al. Analysis of Sequence and Copy Number Variants in Canadian Patient Cohort With Familial Cancer Syndromes Using a Unique Next Generation Sequencing Based Approach. Front Genet. 2021 Jul 13;12:698595. PMID: 34326862. Boonen RACM et al. Functional Analysis Identifies Damaging CHEK2 Missense Variants Associated with Increased Cancer Risk. Cancer Res. 2022 Feb 15;82(4):615-631. PMID: 34903604. Decker B et al. Rare, protein-truncating variants in ATM, CHEK2 and PALB2, but not XRCC2, are associated with increased breast cancer risks. J Med Genet. 2017 Nov;54(11):732-741. PMID: 28779002. Delimitsou A et al. Functional characterization of CHEK2 variants in a Saccharomyces cerevisiae system. Hum Mutat. 2019 May;40(5):631-648. PMID: 30851065. Girard E et al. Familial breast cancer and DNA repair genes: Insights into known and novel susceptibility genes from the GENESIS study, and implications for multigene panel testing. Int J Cancer. 2019 Apr 15;144(8):1962-1974. PMID: 30303537. Hilbers FS et al. Clustering of known low and moderate risk alleles rather than a novel recessive high-risk gene in non-BRCA1/2 sib trios affected with breast cancer. Int J Cancer. 2020 Nov 15;147(10):2708-2716. PMID: 32383162. Tung N et al. Frequency of mutations in individuals with breast cancer referred for BRCA1 and BRCA2 testing using next-generation sequencing with a 25-gene panel. Cancer. 2015 Jan 1;121(1):25-33. PMID: 25186627.

Color Diagnostics, LLC DBA Color Health
Classification: Uncertain significance for Hereditary cancer-predisposing syndrome. Last evaluated: 2024-06-04. Review status: criteria provided, single submitter. Criteria: ACMG Guidelines, 2015. Collection method: clinical testing. Allele origin: germline.
Comment: This missense variant replaces asparagine with histidine at codon 186 of the CHEK2 protein. this variant is also known as p.Asn229His in the literature based on an alternate transcript NM_001005735. Computational prediction suggests that this variant may have deleterious impact on protein structure and function. Functional studies have shown the mutant protein to exhibit normal CHEK2 protein expression and function in yeast and mouse embryonic stem cells (PMID: 30851065, 34903604), although one study in CHEK2-deficient human cells showed impaired KAP1 phosphorylation and intermediate CHEK2 autophosphorylation (PMID: 37449874). This variant has been reported in two individuals affected with breast cancer (PMID: 25186627, 26094658). In two large breast cancer case-control meta-analyses, this variant has been observed in 27/60439 individuals affected with breast cancer and 15/53446 controls (OR=1.592, 95%CI 0.847 to 2.993; PMID: 33471991) and 8/73048 individuals affected with breast cancer and 20/88658 controls (OR =0.4855, 95%CI 0.2138 to 1.1023; PMID: 37449874). This variant has been identified in 19/282804 chromosomes in the general population by the Genome Aggregation Database (gnomAD). The available evidence is insufficient to determine the role of this variant in disease conclusively. Therefore, this variant is classified as a Variant of Uncertain Significance.

Blueprint Genetics
Classification: Likely benign. Last evaluated: 2023-08-03. Review status: criteria provided, single submitter. Criteria: ACMG Guidelines, 2015. Collection method: clinical testing. Allele origin: germline.

Myriad Genetics, Inc.
Classification: Uncertain significance for Familial cancer of breast. Last evaluated: 2023-03-09. Review status: criteria provided, single submitter. Criteria: Myriad Autosomal Dominant, Autosomal Recessive and X-Linked Classification Criteria (2023). Collection method: clinical testing. Allele origin: unknown.
Comment: This variant is classified as a variant of uncertain significance as there is insufficient evidence to determine its impact on protein function and/or cancer risk.

Institute of Human Genetics, University of Leipzig Medical Center
Classification: Uncertain significance for Familial cancer of breast. Last evaluated: 2022-07-27. Review status: criteria provided, single submitter. Criteria: ACMG Guidelines, 2015. Collection method: clinical testing. Allele origin: unknown. Affected: yes.
Comment: _x000D_ Criteria applied: PM2_SUP, PP3

National Health Laboratory Service, Universitas Academic Hospital and University of the Free State
Classification: Uncertain significance for Hereditary breast ovarian cancer syndrome. Last evaluated: 2022-04-19. Review status: criteria provided, single submitter. Criteria: ACMG Guidelines, 2015. Collection method: clinical testing. Allele origin: germline. Affected: yes. Observed: 1 variant allele.

Institute for Clinical Genetics, University Hospital TU Dresden, University Hospital TU Dresden
Classification: Uncertain significance. Last evaluated: 2021-11-03. Review status: criteria provided, single submitter. Criteria: ACMG Guidelines, 2015. Collection method: clinical testing. Allele origin: germline.

Ambry Genetics
Classification: Likely benign for Hereditary cancer-predisposing syndrome. Last evaluated: 2020-07-30. Review status: criteria provided, single submitter. Criteria: Ambry Variant Classification Scheme 2023. Collection method: clinical testing. Allele origin: germline.

Fulgent Genetics
Classification: Uncertain significance for Familial cancer of breast; Familial prostate cancer; Bone osteosarcoma; CHEK2-related cancer predisposition. Last evaluated: 2017-05-23. Review status: criteria provided, single submitter. Criteria: ACMG Guidelines, 2015. Collection method: clinical testing. Allele origin: unknown.

PreventionGenetics, part of Exact Sciences
Classification: Uncertain significance for CHEK2-related condition. Last evaluated: 2024-05-03. Review status: no assertion criteria provided. Collection method: clinical testing. Allele origin: germline. Not counted in ClinVar's aggregate classification.
Comment: The CHEK2 c.556A>C variant is predicted to result in the amino acid substitution p.Asn186His. This variant has been reported in individuals with breast cancer and an individual undergoing genetic testing (Supplement, Tung et al. 2015. PubMed ID: 25186627; Table S1, referred to as c.685T>G, p.Asn229His, Aloraifi et al. 2015. PubMed ID: 26094658; Table S3, Girard et al. 2018. PubMed ID: 30303537; Table S1, Tsai et al. 2018. PubMed ID: 30374176). In vivo experimental investigation using a yeast based assay suggest this variant is benign (Table 1, Delimitsou et al. 2019. PubMed ID: 30851065). This variant is reported in 0.012% of alleles in individuals of European (Non-Finnish) descent in gnomAD. It is interpreted as uncertain significance by the vast majority of submitters to ClinVar. At this time, the clinical significance of this variant is uncertain due to the absence of conclusive functional and genetic evidence.

Counsyl
Classification: Uncertain significance for Familial cancer of breast. Last evaluated: 2016-09-01. Review status: no assertion criteria provided. Collection method: clinical testing. Allele origin: unknown. Not counted in ClinVar's aggregate classification.

Clinical Genetics DNA and cytogenetics Diagnostics Lab, Erasmus MC, Erasmus Medical Center
Classification: Uncertain significance. Review status: no assertion criteria provided. Collection method: clinical testing. Allele origin: germline. Affected: yes. Study: VKGL Data-share Consensus. Not counted in ClinVar's aggregate classification.

Clinical Genetics Laboratory, Department of Pathology, Netherlands Cancer Institute
Classification: Uncertain significance. Review status: no assertion criteria provided. Collection method: clinical testing. Allele origin: germline. Affected: yes. Study: VKGL Data-share Consensus. Not counted in ClinVar's aggregate classification.

Department of Pathology and Laboratory Medicine, Sinai Health System
Classification: Uncertain significance for Endometrial carcinoma. Review status: no assertion criteria provided. Collection method: clinical testing. Allele origin: unknown. Affected: yes. Study: The Canadian Open Genetics Repository (COGR). Not counted in ClinVar's aggregate classification.
Comment: The CHEK2 p.Asn186His variant was identified in 1 of 208 proband chromosomes (frequency: 0.005) from individuals or families with non-BRCA1/2 breast cancer and was not identified in 202 control chromosomes from healthy individuals (Aloraifi 2015). The variant was identified in dbSNP (ID: rs146198085) as â€šÃ„ÃºWith Uncertain significance alleleâ€šÃ„Ã¹, in ClinVar (classified with conflicting interpretations of pathogenicity: likely benign by Laboratory Corporation of America; and uncertain significance by Ambry Genetics, GeneDx, Invitae, Counsyl, Fulgent Genetics and Color Genomics Inc), Clinvitae (4x), Cosmic (1x in a wilms tumour), and Zhejiang Colon Cancer Database (1x), but was not found in MutDB. The variant was also identified in control databases in 18 of 277188 chromosomes at a frequency of 0.00007 (Genome Aggregation Database Feb 27, 2017). It was observed in the following populations: African in 3 of 24028 chromosomes (freq: 0.0001), and European Non-Finnish in 15 of 126684 chromosomes (freq: 0.0001); it was not observed in the Other, Latino, Ashkenazi Jewish, East Asian, Finnish, and South Asian populations. The p.Asn186 residue is conserved in mammals and computational analyses (PolyPhen-2, SIFT, AlignGVGD, BLOSUM, MutationTaster) provide inconsistent predictions regarding the impact of the variant His to the protein; this information is not very predictive of pathogenicity. The variant occurs outside of the splicing consensus sequence and in silico or computational prediction software programs (SpliceSiteFinder, MaxEntScan, NNSPLICE, GeneSplicer, HumanSpliceFinder) do not predict a difference in splicing. In summary, based on the above information the clinical significance of this variant cannot be determined with certainty at this time. This variant is classified as a variant of uncertain significance.

Diagnostic Laboratory, Department of Genetics, University Medical Center Groningen
Classification: Uncertain significance. Review status: no assertion criteria provided. Collection method: clinical testing. Allele origin: germline. Affected: yes. Study: VKGL Data-share Consensus. Not counted in ClinVar's aggregate classification.

Genome Diagnostics Laboratory, Amsterdam University Medical Center
Classification: Uncertain significance. Review status: no assertion criteria provided. Collection method: clinical testing. Allele origin: germline. Affected: yes. Study: VKGL Data-share Consensus. Not counted in ClinVar's aggregate classification.

Joint Genome Diagnostic Labs from Nijmegen and Maastricht, Radboudumc and MUMC+
Classification: Uncertain significance. Review status: no assertion criteria provided. Collection method: clinical testing. Allele origin: germline. Affected: yes. Study: VKGL Data-share Consensus. Not counted in ClinVar's aggregate classification.

Laboratory of Diagnostic Genome Analysis, Leiden University Medical Center (LUMC)
Classification: Uncertain significance. Review status: no assertion criteria provided. Collection method: clinical testing. Allele origin: germline. Affected: yes. Study: VKGL Data-share Consensus. Not counted in ClinVar's aggregate classification.

Literature cited by the submitters: PubMed 26094658 (cited by 6 submitters); PubMed 30303537 (cited by 3 submitters); PubMed 30374176 (cited by Labcorp Genetics (formerly Invitae), Labcorp and Quest Diagnostics Nichols Institute San Juan Capistrano); PubMed 32383162 (cited by 3 submitters); PubMed 34903604 (cited by 3 submitters); PubMed 30851065 (cited by 6 submitters); PubMed 25186627 (cited by 6 submitters); PubMed 39146382 (cited by Center for Genomic Medicine, Rigshospitalet, Copenhagen University Hospital); PubMed 39642869 (cited by Center for Genomic Medicine, Rigshospitalet, Copenhagen University Hospital and Quest Diagnostics Nichols Institute San Juan Capistrano); PubMed 37449874 (cited by 4 submitters); PubMed 33471991 (cited by Quest Diagnostics Nichols Institute San Juan Capistrano); PubMed 34326862 (cited by Quest Diagnostics Nichols Institute San Juan Capistrano); PubMed 38651569 (cited by Quest Diagnostics Nichols Institute San Juan Capistrano); PubMed 28873162 (cited by Quest Diagnostics Nichols Institute San Juan Capistrano); PubMed 28779002 (cited by Quest Diagnostics Nichols Institute San Juan Capistrano and Ambry Genetics); PubMed 36568162 (cited by Women's Health and Genetics/Laboratory Corporation of America, LabCorp); PubMed 38378842 (cited by Women's Health and Genetics/Laboratory Corporation of America, LabCorp).